The following is an entry in ClinVar:

NM_001127644.2(GABRA1):c.11G>T (p.Ser4Ile)

Gene: GABRA1 (gamma-aminobutyric acid type A receptor subunit alpha1; plus strand). Cytogenetic location: 5q34.
Variant type: single nucleotide variant.
Coding change: c.11G>T on transcript NM_001127644.2 (MANE Select); coding-DNA position 11, G replaced by T.
Protein change: p.Ser4Ile; replaces serine 4 with isoleucine.
Molecular consequence: missense variant.
Genome position (GRCh38, 1-based): chr5:161,850,821, G>T. VCF-style: chr5-161850821-G-T. GRCh37 (hg19) VCF-style: chr5-161277827-G-T.
Other names: c.11G>T, p.Ser4Ile (NM_000806.5, NM_001127643.2, NM_001127645.2 and 1 more transcripts); short protein forms S4I.
Identifiers: ClinVar variation 3749111 (VCV003749111.2).

ClinVar aggregate classification (germline): Uncertain significance (1 of 4 stars; one submission).

Conditions:
Idiopathic generalized epilepsy. Also called: Generalised epilepsy; EIG. Identifiers: MedGen C0270850, MONDO:0005579, OMIM 600669.
Epilepsy, idiopathic generalized, susceptibility to, 13. Also called: EPILEPSY, JUVENILE MYOCLONIC, SUSCEPTIBILITY TO, 5. Identifiers: Orphanet 307, Orphanet 64280, MedGen C4013473, MONDO:0012627, OMIM 611136.
Epilepsy, childhood absence 4 (ECA4). Also called: EPILEPSY, CHILDHOOD ABSENCE, SUSCEPTIBILITY TO, 4. Identifiers: Orphanet 307, MedGen C1970160.

gnomAD v4.1: 4 of 1,613,976 alleles (0.00025%); highest among the groups gnomAD compares: Admixed American, 0.0017%; no homozygotes.

Submission:

Labcorp Genetics (formerly Invitae), Labcorp
Classification: Uncertain significance for Epilepsy, childhood absence 4; Epilepsy, idiopathic generalized, susceptibility to, 13; Idiopathic generalized epilepsy. Last evaluated: 2025-12-11. Review status: criteria provided, single submitter. Criteria: Invitae Variant Classification Sherloc (09022015). Collection method: clinical testing. Allele origin: germline.
Comment: This sequence change replaces serine, which is neutral and polar, with isoleucine, which is neutral and non-polar, at codon 4 of the GABRA1 protein (p.Ser4Ile). This variant is present in population databases (no rsID available, gnomAD 0.0009%). This variant has not been reported in the literature in individuals affected with GABRA1-related conditions. ClinVar contains an entry for this variant (Variation ID: 3749111). Invitae Evidence Modeling of protein sequence and biophysical properties (such as structural, functional, and spatial information, amino acid conservation, physicochemical variation, residue mobility, and thermodynamic stability) indicates that this missense variant is not expected to disrupt GABRA1 protein function with a negative predictive value of 80%. In summary, the available evidence is currently insufficient to determine the role of this variant in disease. Therefore, it has been classified as a Variant of Uncertain Significance.